The following is an entry in ClinVar:

NC_000023.10:g.(?_32503016)_(32503236_?)del

Gene: DMD (dystrophin; minus strand). Cytogenetic location: Xp21.1.
Variant type: Deletion.
Identifiers: ClinVar variation 1454943 (VCV001454943.6).

ClinVar aggregate classification (germline): Pathogenic (1 of 4 stars; one submission).

Conditions:
Duchenne muscular dystrophy (DMD). Also called: Duchenne Muscular Dystrophy (DMD); MUSCULAR DYSTROPHY, PSEUDOHYPERTROPHIC PROGRESSIVE, DUCHENNE TYPE. Identifiers: Orphanet 98896, MedGen C0013264, MONDO:0010679, OMIM 310200.

Submission:

Labcorp Genetics (formerly Invitae), Labcorp
Classification: Pathogenic for Duchenne muscular dystrophy. Last evaluated: 2023-08-17. Review status: criteria provided, single submitter. Criteria: Invitae Variant Classification Sherloc (09022015). Collection method: clinical testing. Allele origin: germline.
Comment: For these reasons, this variant has been classified as Pathogenic. A similar copy number variant has been observed in individuals with Duchenne muscular dystrophy (PMID: 1383546, 11524473, 31705731). This variant is a gross deletion of the genomic region encompassing exon(s) 21 of the DMD gene. This deletion is out-of-frame, and is expected to create a premature termination codon and result in an absent or disrupted protein product. Loss-of-function variants in DMD are known to be pathogenic (PMID: 16770791, 25007885).

Literature cited by the submitters: PubMed 1383546; PubMed 11524473; PubMed 31705731; PubMed 16770791; PubMed 25007885.